The following is an entry in ClinVar:

NM_000051.4(ATM):c.2467-5T>C

Gene: ATM (ATM serine/threonine kinase; plus strand). Cytogenetic location: 11q22.3.
Variant type: single nucleotide variant.
Coding change: c.2467-5T>C on transcript NM_000051.4 (MANE Select); 5 bases into the intron before coding-DNA position 2467, T replaced by C.
Molecular consequence: intron variant.
Genome position (GRCh38, 1-based): chr11:108,267,166, T>C. VCF-style: chr11-108267166-T-C. GRCh37 (hg19) VCF-style: chr11-108137893-T-C.
Other names: c.2467-5T>C (NM_001351834.2, NM_000051.3).
Identifiers: ClinVar variation 3253978 (VCV003253978.3), dbSNP rs2497588983.

ClinVar aggregate classification (germline): Likely benign. Review status: criteria provided, multiple submitters, no conflicts (2 of 4 stars). 2 submissions from 2 submitters: Likely benign (2). Last evaluated 2026-03-30.

Conditions:
Familial cancer of breast. Also called: BREAST CANCER, FAMILIAL; Hereditary breast cancer; hereditary breast carcinoma. Identifiers: Orphanet 227535, MedGen C0346153, MONDO:0016419, OMIM 114480. Disease mechanism: loss of function.
Hereditary cancer-predisposing syndrome. Also called: Neoplastic Syndromes, Hereditary; Tumor predisposition; Hereditary Cancer Syndrome; Hereditary neoplastic syndrome. Identifiers: Orphanet 140162, MedGen C0027672, MeSH D009386, MONDO:0015356.

Submissions (2):

Ambry Genetics
Classification: Likely benign for Hereditary cancer-predisposing syndrome. Last evaluated: 2026-03-30. Review status: criteria provided, single submitter. Criteria: Ambry Variant Classification Scheme 2023. Collection method: clinical testing. Allele origin: germline.

Myriad Genetics, Inc.
Classification: Likely benign for Familial cancer of breast. Last evaluated: 2024-05-09. Review status: criteria provided, single submitter. Criteria: Myriad Autosomal Dominant, Autosomal Recessive and X-Linked Classification Criteria (2023). Collection method: clinical testing. Allele origin: unknown.
Comment: This variant is considered likely benign. This variant is intronic and is not expected to impact mRNA splicing.